The following is an entry in ClinVar:

ClinVar aggregate classification (germline): not provided (0 of 4 stars; one submission).

Conditions:
Familial cold autoinflammatory syndrome 1 (FCAS1). Also called: CRYOPYRIN-ASSOCIATED PERIODIC SYNDROME 1; Familial cold inflammatory syndrome 1. Identifiers: Orphanet 47045, MedGen C4551895, MONDO:0007349, OMIM 120100.

Submission:

Unité médicale des maladies autoinflammatoires, CHRU Montpellier
No classification provided. Condition: Familial cold urticaria. Review status: no classification provided. Collection method: not provided. Allele origin: unknown.
Comment: also involved in OMIM 191900 and 607115

NM_001243133.2(NLRP3):c.1306ACC[2] (p.Thr438del)

Gene: NLRP3 (NLR family pyrin domain containing 3; plus strand). Cytogenetic location: 1q44.
Variant type: Microsatellite.
Coding change: c.1306ACC[2] on transcript NM_001243133.2 (MANE Select); two copies in a row of the 3-base unit ACC starting at c.1306; the reference has three copies in a row; one copy, 3 bases deleted.
Protein change: p.Thr438del; deletes threonine 438.
Molecular consequence: inframe deletion.
Genome position (GRCh38, 1-based): chr1:247,424,761-247,424,763, ACC deleted; deleting any 3 consecutive bases within chr1:247,424,755-247,424,763 gives the same sequence; the position shown is the placement nearest the transcript's 3' end. VCF-style (leftmost placement, unchanged base first): chr1-247424754-GACC-G. GRCh37 (hg19) VCF-style: chr1-247588056-GACC-G.
Other names: c.1306ACC[2], p.Thr438del (NM_001079821.3, NM_001127461.3, NM_001127462.3 and 1 more transcripts); c.1312ACC[2], p.Thr440del (NM_004895.5); c.1306_1308del (NM_001243133.1); short protein forms T440del, T438del.
Identifiers: ClinVar variation 97922 (VCV000097922.1), dbSNP rs180177492, ClinGen allele CA281169.
Genomic context (GRCh38, chr1:247,424,754, plus strand): 5'-CGTGTGCACTGGACTGAAACAGCAGATGGAGAGTGGCAAGAGCCTTGCCCAGACATCCAA[GACC>G]ACCACCGCGGTGTACGTCTTCTTCCTTTCCAGTTTGCTGCAGCCCCGGGGAGGGAGCCAG-3'